The following is an entry in ClinVar:

ClinVar aggregate classification (germline): Pathogenic (1 of 4 stars; one submission).

Submission:

Labcorp Genetics (formerly Invitae), Labcorp
Classification: Pathogenic. Last evaluated: 2025-11-11. Review status: criteria provided, single submitter. Criteria: Invitae Variant Classification Sherloc (09022015). Collection method: clinical testing. Allele origin: germline.
Comment: This sequence change creates a premature translational stop signal (p.Ile283Asnfs*7) in the IMPG1 gene. It is expected to result in an absent or disrupted protein product. Loss-of-function variants in IMPG1 are known to be pathogenic (PMID: 23993198). This variant is present in population databases (rs755950750, gnomAD 0.02%). This variant has not been reported in the literature in individuals affected with IMPG1-related conditions. For these reasons, this variant has been classified as Pathogenic.

Literature cited by the submitters: PubMed 23993198.

NM_001563.4(IMPG1):c.847dup (p.Ile283fs)

Gene: IMPG1 (interphotoreceptor matrix proteoglycan 1; minus strand). Cytogenetic location: 6q14.1.
Variant type: Duplication.
Coding change: c.847dup on transcript NM_001563.4 (MANE Select); coding-DNA position 847, one base duplicated (A; older notation c.847dupA).
Protein change: p.Ile283fs; shifts the reading frame from isoleucine 283.
Molecular consequence: frameshift variant.
Genome position (GRCh38, 1-based): chr6:76,011,185, T duplicated on the plus strand (A on the coding strand, the reverse complement: IMPG1 is on the minus strand); the first of 7 consecutive T bases (chr6:76,011,185-76,011,191); duplicating any one gives the same sequence. VCF-style (leftmost placement, unchanged base first): chr6-76011184-A-AT. GRCh37 (hg19) VCF-style: chr6-76720901-A-AT.
Other names: c.613dup, p.Ile205fs (NM_001282368.2); short protein forms I205fs, I283fs.
Identifiers: ClinVar variation 4751003 (VCV004751003.1).